The following is an entry in ClinVar:

NM_004082.5(DCTN1):c.3070G>A (p.Asp1024Asn)

Gene: DCTN1 (dynactin subunit 1; minus strand). Cytogenetic location: 2p13.1.
Variant type: single nucleotide variant.
Coding change: c.3070G>A on transcript NM_004082.5 (MANE Select); coding-DNA position 3070, G replaced by A.
Protein change: p.Asp1024Asn; replaces aspartic acid 1024 with asparagine.
Molecular consequence: missense variant. On other transcripts: non-coding transcript variant (1).
Genome position (GRCh38, 1-based): chr2:74,365,201, C>T on the plus strand (G>A on the coding strand, the complement: DCTN1 is on the minus strand). VCF-style: chr2-74365201-C-T. GRCh37 (hg19) VCF-style: chr2-74592328-C-T.
Other names: c.3010G>A, p.Asp1004Asn (NM_001135040.3); c.2668G>A, p.Asp890Asn (NM_001135041.3, NM_023019.4); c.2959G>A, p.Asp987Asn (NM_001190836.2); c.3049G>A, p.Asp1017Asn (NM_001190837.2); c.3019G>A, p.Asp1007Asn (NM_001378991.1); c.3001G>A, p.Asp1001Asn (NM_001378992.1); short protein forms D1024N, D1001N, D890N, D1017N, D1004N, D1007N, D987N.
Identifiers: ClinVar variation 942361 (VCV000942361.10), dbSNP rs1558935068, ClinGen allele CA347340564.

ClinVar aggregate classification (germline): Uncertain significance (1 of 4 stars; one submission).

Conditions:
Neuronopathy, distal hereditary motor, type 7B. Also called: Distal Hereditary Motor Neuronopathy Type 7B (dHMN7B); HMN VIIB; NEURONOPATHY, DISTAL HEREDITARY MOTOR, AUTOSOMAL DOMINANT 14; NEURONOPATHY, DISTAL HEREDITARY MOTOR, HARDING TYPE VIIB; NEUROPATHY, DISTAL HEREDITARY MOTOR, HARDING TYPE VIIB; NEUROPATHY, DISTAL HEREDITARY MOTOR, WITH VOCAL CORD PARALYSIS, HARDING TYPE VIIB. Identifiers: Orphanet 139589, MedGen C1843315, MONDO:0011879, OMIM 607641.
Amyotrophic lateral sclerosis type 1 (ALS1). Also called: AMYOTROPHIC LATERAL SCLEROSIS 1, FAMILIAL. Identifiers: Orphanet 803, MedGen C1862939, MONDO:0007103, OMIM 105400.
Perry syndrome. Also called: PARKINSONISM WITH ALVEOLAR HYPOVENTILATION AND MENTAL DEPRESSION. Identifiers: Orphanet 178509, MedGen C1868594, MONDO:0008201, OMIM 168605.

Allele frequency attached by ClinVar (database versions not stated): gnomAD exomes below 0.00001; TOPMed below 0.00001.
gnomAD v4.1: 2 of 1,614,158 alleles (0.00012%); highest among the groups gnomAD compares: Non-Finnish European, 0.00017%; no homozygotes.

Submission:

Labcorp Genetics (formerly Invitae), Labcorp
Classification: Uncertain significance for Amyotrophic lateral sclerosis type 1; Neuronopathy, distal hereditary motor, type 7B; Perry syndrome. Last evaluated: 2019-09-24. Review status: criteria provided, single submitter. Criteria: Invitae Variant Classification Sherloc (09022015). Collection method: clinical testing. Allele origin: germline.
Comment: This variant has not been reported in the literature in individuals with DCTN1-related conditions. This variant is not present in population databases (ExAC no frequency). This sequence change replaces aspartic acid with asparagine at codon 1024 of the DCTN1 protein (p.Asp1024Asn). The aspartic acid residue is highly conserved and there is a small physicochemical difference between aspartic acid and asparagine. Algorithms developed to predict the effect of missense changes on protein structure and function are either unavailable or do not agree on the potential impact of this missense change (SIFT: "Deleterious"; PolyPhen-2: "Probably Damaging"; Align-GVGD: "Class C15"). In summary, the available evidence is currently insufficient to determine the role of this variant in disease. Therefore, it has been classified as a Variant of Uncertain Significance.